The following is an entry in ClinVar:

ClinVar aggregate classification (germline): Pathogenic/Likely pathogenic. Review status: criteria provided, multiple submitters, no conflicts (2 of 4 stars). 10 submissions from 10 submitters: Pathogenic (7); Likely pathogenic (1). 2 of the submissions do not count toward it. Last evaluated 2025-09-01.

Conditions:
OPA1-related disorder. Also called: OPA1-related condition; OPA1-related disorders.
Optic atrophy. Identifiers: MedGen C0029124, MONDO:0003608, HP:0000648.
Autosomal dominant optic atrophy classic form (OPA1). Also called: KJER-TYPE OPTIC ATROPHY; Optic Atrophy Type 1; OPTIC ATROPHY, JUVENILE. Identifiers: Orphanet 98673, MedGen C0338508, MONDO:0008134, OMIM 165500.

Allele frequency attached by ClinVar (database versions not stated): gnomAD exomes below 0.00001.
gnomAD v4.1: 2 of 1,613,874 alleles (0.00012%); highest among the groups gnomAD compares: Non-Finnish European, 0.00017%; no homozygotes.

Submissions (10):

CeGaT Center for Human Genetics Tuebingen
Classification: Pathogenic. Last evaluated: 2025-09-01. Review status: criteria provided, single submitter. Criteria: CeGaT Center For Human Genetics Tuebingen Variant Classification Criteria Version 2. Collection method: clinical testing. Allele origin: germline. Affected: yes. Observed: 3 variant alleles.
Comment: OPA1: PVS1, PS4, PM2

Labcorp Genetics (formerly Invitae), Labcorp
Classification: Pathogenic. Last evaluated: 2024-05-29. Review status: criteria provided, single submitter. Criteria: Invitae Variant Classification Sherloc (09022015). Collection method: clinical testing. Allele origin: germline.
Comment: This sequence change creates a premature translational stop signal (p.Arg711*) in the OPA1 gene. It is expected to result in an absent or disrupted protein product. Loss-of-function variants in OPA1 are known to be pathogenic (PMID: 11440988, 20157015, 20952381, 25012220). This variant is not present in population databases (gnomAD no frequency). This premature translational stop signal has been observed in individual(s) with optic atrophy (PMID: 11810270). ClinVar contains an entry for this variant (Variation ID: 216979). For these reasons, this variant has been classified as Pathogenic.

GeneDx
Classification: Pathogenic. Last evaluated: 2024-04-09. Review status: criteria provided, single submitter. Criteria: GeneDx Variant Classification Process June 2021. Collection method: clinical testing. Allele origin: germline.
Comment: Nonsense variant predicted to result in protein truncation or nonsense mediated decay in a gene for which loss-of-function is a known mechanism of disease; Not observed in large population cohorts (gnomAD); Also known as p.R766*; This variant is associated with the following publications: (PMID: 22865259, 25525159, 33841295, 11810270, 34242285, 25326637, 28848318, 35273349, 28081242, 34676220)

Women's Health and Genetics/Laboratory Corporation of America, LabCorp
Classification: Pathogenic for OPA1-Related Disorders. Last evaluated: 2024-01-09. Review status: criteria provided, single submitter. Criteria: LabCorp Variant Classification Summary - May 2015. Collection method: clinical testing. Allele origin: germline.
Comment: Variant summary: OPA1 c.2131C>T (p.Arg711X) results in a premature termination codon, predicted to cause a truncation of the encoded protein or absence of the protein due to nonsense mediated decay, which are commonly known mechanisms for disease. The variant was absent in 251228 control chromosomes (gnomAD). c.2131C>T has been reported in the literature in individuals affected with OPA1-Related Disorders (examples: Delettre_2001, Reis_2013, Li_2017). These data indicate that the variant is likely to be associated with disease. The following publications have been ascertained in the context of this evaluation (PMID: 11810270, 28081242, 22865259). ClinVar contains an entry for this variant (Variation ID: 216979). Based on the evidence outlined above, the variant was classified as pathogenic.

Blueprint Genetics
Classification: Pathogenic for OPA1-related disorders. Last evaluated: 2022-09-05. Review status: criteria provided, single submitter. Criteria: ACMG Guidelines, 2015. Collection method: clinical testing. Allele origin: germline. Affected: yes. Observed: 2 variant alleles.

Athena Diagnostics
Classification: Pathogenic. Last evaluated: 2021-05-11. Review status: criteria provided, single submitter. Criteria: Athena Diagnostics criteria. Collection method: clinical testing. Allele origin: unknown.
Comment: This variant is expected to result in the loss of a functional protein. This variant has not been reported in large, multi-ethnic general populations. This variant has been identified in at least one individual with dominant optic atrophy (DOA).

ARUP Laboratories, Molecular Genetics and Genomics, ARUP Laboratories
Classification: Pathogenic. Last evaluated: 2018-05-18. Review status: criteria provided, single submitter. Criteria: ARUP Molecular Germline Variant Investigation Process. Collection method: clinical testing. Allele origin: germline.
Comment: The OPA1 c.2296C>T; p.Arg766Ter variant (rs863224906; ClinVar Variation ID: 216979) has been previously identified in an individual with a personal and family consistent with dominantly inherited optic atrophy (Delettre 2001). Located in exon 23 (of 31) is variant is expected to result in a truncated or absent protein product. Additionally, this variant is absent from general population databases (1000 Genomes Project, Exome Variant Server, and Genome Aggregation Database). As loss of function is an established disease mechanism in OPA1-mediated optic atrophy, based on the available information, this variant is considered pathogenic. Pathogenic variants in OPA1 are associated with autosomal dominant optic atrophy 1 (MIM: 165500) and autosomal recessive Behr syndrome (MIM: 210000).

UCLA Clinical Genomics Center, UCLA
Classification: Likely pathogenic for Dominant hereditary optic atrophy. Last evaluated: 2012-10-30. Review status: criteria provided, single submitter. Criteria: Lee et al. (JAMA. 2014). Collection method: clinical testing. Allele origin: germline. Inheritance: Autosomal dominant inheritance. Affected: yes. Study: CES.

PreventionGenetics, part of Exact Sciences
Classification: Pathogenic for OPA1-related condition. Last evaluated: 2024-03-19. Review status: no assertion criteria provided. Collection method: clinical testing. Allele origin: germline. Not counted in ClinVar's aggregate classification.
Comment: The OPA1 c.2296C>T variant is predicted to result in premature protein termination (p.Arg766*). This variant can also be denoted as c.2131C>T (p.Arg711*) in the transcript NM_015560. This variant has been reported in individuals with autosomal dominant optic atrophy (see for examples Delettre et al. 2001. PubMed ID: 11810270; Weisschuh et al. 2021. PubMed ID: 34242285). This variant has not been reported in a large population database, indicating this variant is rare. Nonsense variants in OPA1 are expected to be pathogenic. Given the evidence, we interpret this variant as pathogenic.

Institute of Human Genetics, Univ. Regensburg, Univ. Regensburg
Classification: Pathogenic for Optic atrophy. Last evaluated: 2020-01-01. Review status: no assertion criteria provided. Criteria: ACMG Guidelines, 2015. Collection method: clinical testing. Allele origin: germline. Affected: yes. Not counted in ClinVar's aggregate classification.

Literature cited by the submitters: PubMed 11440988 (cited by Labcorp Genetics (formerly Invitae), Labcorp); PubMed 20157015 (cited by Labcorp Genetics (formerly Invitae), Labcorp); PubMed 20952381 (cited by Labcorp Genetics (formerly Invitae), Labcorp); PubMed 25012220 (cited by Labcorp Genetics (formerly Invitae), Labcorp); PubMed 11810270 (cited by 3 submitters); PubMed 28081242 (cited by Women's Health and Genetics/Laboratory Corporation of America, LabCorp); PubMed 22865259 (cited by Women's Health and Genetics/Laboratory Corporation of America, LabCorp); PubMed 25326637 (cited by Athena Diagnostics).

NM_130837.3(OPA1):c.2296C>T (p.Arg766Ter)

Gene: OPA1 (OPA1 mitochondrial dynamin like GTPase; plus strand). Cytogenetic location: 3q29.
Variant type: single nucleotide variant.
Coding change: c.2296C>T on transcript NM_130837.3 (MANE Select); coding-DNA position 2296, C replaced by T.
Protein change: p.Arg766Ter; replaces arginine 766 with a stop codon.
Molecular consequence: nonsense.
Genome position (GRCh38, 1-based): chr3:193,657,197, C>T. VCF-style: chr3-193657197-C-T. GRCh37 (hg19) VCF-style: chr3-193374986-C-T.
Other names: c.1762C>T, p.Arg588Ter (NM_001354663.2); c.1759C>T, p.Arg587Ter (NM_001354664.2); c.2131C>T, p.Arg711Ter (NM_015560.3); c.2023C>T, p.Arg675Ter (NM_130831.3); c.2077C>T, p.Arg693Ter (NM_130832.3); c.2134C>T, p.Arg712Ter (NM_130833.3); c.2185C>T, p.Arg729Ter (NM_130834.3); c.2188C>T, p.Arg730Ter (NM_130835.3); and 1 more; short protein forms R711*, R766*, R675*, R748*, R587*, R588*, R730*, R712*.
Identifiers: ClinVar variation 216979 (VCV000216979.60), dbSNP rs863224906, ClinGen allele CA279008.